The following is an entry in ClinVar:

ClinVar aggregate classification (germline): Uncertain significance (1 of 4 stars; one submission).

Conditions:
Kufor-Rakeb syndrome (KRS). Also called: PARKINSON DISEASE 9, AUTOSOMAL RECESSIVE, JUVENILE-ONSET. Identifiers: Orphanet 306674, Orphanet 314632, MedGen C1847640, MONDO:0011706, OMIM 606693.
Autosomal recessive spastic paraplegia type 78. Identifiers: Orphanet 513436, MedGen C5567893, MONDO:0014975, OMIM 617225.

Submission:

Labcorp Genetics (formerly Invitae), Labcorp
Classification: Uncertain significance for Kufor-Rakeb syndrome; Autosomal recessive spastic paraplegia type 78. Last evaluated: 2025-02-17. Review status: criteria provided, single submitter. Criteria: Invitae Variant Classification Sherloc (09022015). Collection method: clinical testing. Allele origin: germline.
Comment: This sequence change replaces proline, which is neutral and non-polar, with histidine, which is basic and polar, at codon 618 of the ATP13A2 protein (p.Pro618His). This variant is not present in population databases (gnomAD no frequency). This variant has not been reported in the literature in individuals affected with ATP13A2-related conditions. ClinVar contains an entry for this variant (Variation ID: 1713532). Invitae Evidence Modeling of protein sequence and biophysical properties (such as structural, functional, and spatial information, amino acid conservation, physicochemical variation, residue mobility, and thermodynamic stability) indicates that this missense variant is not expected to disrupt ATP13A2 protein function with a negative predictive value of 80%. In summary, the available evidence is currently insufficient to determine the role of this variant in disease. Therefore, it has been classified as a Variant of Uncertain Significance.

NM_022089.4(ATP13A2):c.1853C>A (p.Pro618His)

Gene: ATP13A2 (ATPase cation transporting 13A2; minus strand). Cytogenetic location: 1p36.13.
Variant type: single nucleotide variant.
Coding change: c.1853C>A on transcript NM_022089.4 (MANE Select); coding-DNA position 1853, C replaced by A.
Protein change: p.Pro618His; replaces proline 618 with histidine.
Molecular consequence: missense variant.
Genome position (GRCh38, 1-based): chr1:16,992,395, G>T on the plus strand (C>A on the coding strand, the complement: ATP13A2 is on the minus strand). VCF-style: chr1-16992395-G-T. GRCh37 (hg19) VCF-style: chr1-17318890-G-T.
Other names: c.1838C>A, p.Pro613His (NM_001141973.3, NM_001141974.3); short protein forms P613H, P618H.
Identifiers: ClinVar variation 1713532 (VCV001713532.6), dbSNP rs1343669608, ClinGen allele CA338246532.